The following is an entry in ClinVar:

ClinVar aggregate classification (germline): Uncertain significance (1 of 4 stars; one submission).

Allele frequency attached by ClinVar (database versions not stated): gnomAD exomes below 0.00001.
gnomAD v4.1: 1 of 1,613,694 alleles (0.000062%); highest among the groups gnomAD compares: Non-Finnish European, 0.000085%; no homozygotes.

Submission:

Labcorp Genetics (formerly Invitae), Labcorp
Classification: Uncertain significance. Last evaluated: 2023-08-17. Review status: criteria provided, single submitter. Criteria: Invitae Variant Classification Sherloc (09022015). Collection method: clinical testing. Allele origin: germline.
Comment: In summary, the available evidence is currently insufficient to determine the role of this variant in disease. Therefore, it has been classified as a Variant of Uncertain Significance. Advanced modeling of protein sequence and biophysical properties (such as structural, functional, and spatial information, amino acid conservation, physicochemical variation, residue mobility, and thermodynamic stability) has been performed at Invitae for this missense variant, however the output from this modeling did not meet the statistical confidence thresholds required to predict the impact of this variant on OTOF protein function. This variant has not been reported in the literature in individuals affected with OTOF-related conditions. This variant is present in population databases (no rsID available, gnomAD 0.0009%). This sequence change replaces leucine, which is neutral and non-polar, with proline, which is neutral and non-polar, at codon 1668 of the OTOF protein (p.Leu1668Pro).

NM_194248.3(OTOF):c.5003T>C (p.Leu1668Pro)

Gene: OTOF (otoferlin; minus strand). Cytogenetic location: 2p23.3.
Variant type: single nucleotide variant.
Coding change: c.5003T>C on transcript NM_194248.3 (MANE Select); coding-DNA position 5003, T replaced by C.
Protein change: p.Leu1668Pro; replaces leucine 1668 with proline.
Molecular consequence: missense variant.
Genome position (GRCh38, 1-based): chr2:26,464,064, A>G on the plus strand (T>C on the coding strand, the complement: OTOF is on the minus strand). VCF-style: chr2-26464064-A-G. GRCh37 (hg19) VCF-style: chr2-26686932-A-G.
Other names: c.5003T>C, p.Leu1668Pro (NM_001287489.2); c.2702T>C, p.Leu901Pro (NM_004802.4, NM_194323.3); c.2933T>C, p.Leu978Pro (NM_194322.3); short protein forms L1668P, L901P, L978P.
Identifiers: ClinVar variation 2831938 (VCV002831938.3), dbSNP rs1474051378, ClinGen allele CA346134134.